The following is an entry in ClinVar:

NM_001830.4(CLCN4):c.1091G>T (p.Arg364Met)

Gene: CLCN4 (Cl-/H+ antiporter 4; plus strand). Cytogenetic location: Xp22.2.
Variant type: single nucleotide variant.
Coding change: c.1091G>T on transcript NM_001830.4 (MANE Select); coding-DNA position 1091, G replaced by T.
Protein change: p.Arg364Met; replaces arginine 364 with methionine.
Molecular consequence: missense variant.
Genome position (GRCh38, 1-based): chrX:10,208,292, G>T. VCF-style: chrX-10208292-G-T. GRCh37 (hg19) VCF-style: chrX-10176332-G-T.
Other names: c.809G>T, p.Arg270Met (NM_001256944.2); short protein forms R270M, R364M.
Identifiers: ClinVar variation 4885502 (VCV004885502.2).
Genomic context (GRCh38, chrX:10,208,292, plus strand): 5'-TGTGGGGAACCCTCTTCATCCGCTGCAACATCGCCTGGTGCAGGAGGCGCAAGACCACCA[G>T]GCTGGGGAAGTACCCGGTGCTGGAGGTCATTGTGGTGACTGCCATCACTGCCATCATTGC-3'
Protein context (NP_001821.2, residues 354-374): IAWCRRRKTT[Arg364Met]LGKYPVLEVI

ClinVar aggregate classification (germline): Uncertain significance (1 of 4 stars; one submission).

Submission:

Dasa
Classification: Uncertain significance. Last evaluated: 2025-10-15. Review status: criteria provided, single submitter. Criteria: DASA Assertion Criteria. Collection method: clinical testing. Allele origin: germline.
Comment: NM_001830.4(CLCN4):c.1091G>T (p.Arg364Met) is a missense variant that results in the substitution of arginine with methionine. The affected residue or protein region has prior evidence supporting clinical relevance. This variant is absent from population databases. The currently available literature and clinical evidence are not sufficient to establish a definitive association between this variant and the reported condition. Therefore, this variant is classified as a variant of uncertain significance.